The following is an entry in ClinVar:

ClinVar aggregate classification (germline): Uncertain significance. Review status: criteria provided, single submitter (1 of 4 stars). 3 submissions from 3 submitters: Uncertain significance (1). 2 of the submissions do not count toward it. Last evaluated 2022-12-16.

Conditions:
Hypertrophic cardiomyopathy. Also called: HYPERTROPHIC MYOCARDIOPATHY. Identifiers: Orphanet 217569, MedGen C0007194, MeSH D002312, MONDO:0005045, HP:0001639.

Allele frequency attached by ClinVar (database versions not stated): 1000 Genomes Project 30x 0.00016.

Submissions (3):

All of Us Research Program, National Institutes of Health
Classification: Uncertain significance for Hypertrophic cardiomyopathy. Last evaluated: 2022-12-16. Review status: criteria provided, single submitter. Criteria: ACMG Guidelines, 2015. Collection method: clinical testing. Allele origin: germline. Inheritance: Autosomal dominant inheritance. Observed: 1 variant allele, 1 heterozygote.
Comment: This study involves interpretation of variants in research participants for the purpose of population health screening. Participant phenotype was not available at the time of variant classification. Additional details can be found in publication PMID: 35346344, PMCID: PMC8962531

Diagnostic Laboratory, Department of Genetics, University Medical Center Groningen
Classification: Uncertain significance. Review status: no assertion criteria provided. Collection method: clinical testing. Allele origin: germline. Affected: yes. Study: VKGL Data-share Consensus. Not counted in ClinVar's aggregate classification.

Joint Genome Diagnostic Labs from Nijmegen and Maastricht, Radboudumc and MUMC+
Classification: Uncertain significance. Review status: no assertion criteria provided. Collection method: clinical testing. Allele origin: germline. Affected: yes. Study: VKGL Data-share Consensus. Not counted in ClinVar's aggregate classification.

NM_000257.4(MYH7):c.3550C>T (p.Gln1184Ter)

Gene: MYH7 (myosin heavy chain 7; minus strand). Cytogenetic location: 14q11.2.
Variant type: single nucleotide variant.
Coding change: c.3550C>T on transcript NM_000257.4 (MANE Select); coding-DNA position 3550, C replaced by T.
Protein change: p.Gln1184Ter; replaces glutamine 1184 with a stop codon.
Molecular consequence: nonsense.
Genome position (GRCh38, 1-based): chr14:23,420,021, G>A on the plus strand (C>T on the coding strand, the complement: MYH7 is on the minus strand). VCF-style: chr14-23420021-G-A. GRCh37 (hg19) VCF-style: chr14-23889230-G-A.
Other names: short protein forms Q1184*.
Identifiers: ClinVar variation 1174831 (VCV001174831.6), dbSNP rs2138654006, ClinGen allele CA389043512.